The following is an entry in ClinVar:

ClinVar aggregate classification (germline): Benign/Likely benign. Review status: criteria provided, multiple submitters, no conflicts (2 of 4 stars). 7 submissions from 7 submitters: Benign (1); Likely benign (6). Last evaluated 2025-12-14.

Conditions:
Hereditary nonpolyposis colorectal neoplasms. Identifiers: MedGen C0009405, MeSH D003123.
Lynch syndrome 5 (LYNCH5). Also called: Hereditary non-polyposis colorectal cancer, type 5; Colorectal cancer, hereditary nonpolyposis, type 5. Identifiers: Orphanet 144, MedGen C1833477, MONDO:0013710, OMIM 614350. Disease mechanism: loss of function.
Hereditary cancer-predisposing syndrome. Also called: Hereditary Cancer Syndrome; Hereditary neoplastic syndrome; Neoplastic Syndromes, Hereditary; Tumor predisposition. Identifiers: Orphanet 140162, MedGen C0027672, MeSH D009386, MONDO:0015356.
Lynch syndrome. Identifiers: Orphanet 144, MedGen C4552100, MONDO:0005835. Disease mechanism: loss of function.

Allele frequency attached by ClinVar (database versions not stated): gnomAD exomes below 0.00001 and 0.00001; TOPMed 0.00001.
gnomAD v4.1: 3 of 1,614,236 alleles (0.00019%); highest among the groups gnomAD compares: Admixed American, 0.0017%; no homozygotes.

Submissions (7):

Labcorp Genetics (formerly Invitae), Labcorp
Classification: Likely benign for Hereditary nonpolyposis colorectal neoplasms. Last evaluated: 2025-12-14. Review status: criteria provided, single submitter. Criteria: Invitae Variant Classification Sherloc (09022015). Collection method: clinical testing. Allele origin: germline.

Myriad Genetics, Inc.
Classification: Benign for Lynch syndrome 5. Last evaluated: 2024-12-18. Review status: criteria provided, single submitter. Criteria: Myriad Autosomal Dominant, Autosomal Recessive and X-Linked Classification Criteria (2023). Collection method: clinical testing. Allele origin: unknown.
Comment: This variant is considered benign. This variant is a silent/synonymous amino acid change and it is not expected to impact splicing.

All of Us Research Program, National Institutes of Health
Classification: Likely benign for Lynch syndrome. Last evaluated: 2023-07-22. Review status: criteria provided, single submitter. Criteria: ACMG Guidelines, 2015. Collection method: clinical testing. Allele origin: germline. Inheritance: Autosomal dominant inheritance. Observed: 2 variant alleles, 2 heterozygotes.
Comment: This study involves interpretation of variants in research participants for the purpose of population health screening. Participant phenotype was not available at the time of variant classification. Additional details can be found in publication PMID: 35346344, PMCID: PMC8962531

Women's Health and Genetics/Laboratory Corporation of America, LabCorp
Classification: Likely benign. Last evaluated: 2019-09-03. Review status: criteria provided, single submitter. Criteria: LabCorp Variant Classification Summary - May 2015. Collection method: clinical testing. Allele origin: germline.

GeneDx
Classification: Likely benign. Last evaluated: 2019-06-24. Review status: criteria provided, single submitter. Criteria: GeneDx Variant Classification Process June 2021. Collection method: clinical testing. Allele origin: germline. Affected: yes.
Comment: This variant is associated with the following publications: (PMID: 22495361)

Color Diagnostics, LLC DBA Color Health
Classification: Likely benign for Hereditary cancer-predisposing syndrome. Last evaluated: 2018-04-30. Review status: criteria provided, single submitter. Criteria: ACMG Guidelines, 2015. Collection method: clinical testing. Allele origin: germline.

Ambry Genetics
Classification: Likely benign for Hereditary cancer-predisposing syndrome. Last evaluated: 2016-05-02. Review status: criteria provided, single submitter. Criteria: Ambry Variant Classification Scheme 2023. Collection method: clinical testing. Allele origin: germline.

NM_000179.3(MSH6):c.303G>A (p.Glu101=)

Gene: MSH6 (mutS homolog 6; plus strand). Cytogenetic location: 2p16.3.
Variant type: single nucleotide variant.
Coding change: c.303G>A on transcript NM_000179.3 (MANE Select); coding-DNA position 303, G replaced by A.
Protein change: p.Glu101=; no amino-acid change (glutamic acid 101 retained).
Molecular consequence: synonymous variant. On other transcripts: 5 prime UTR variant (2), intron variant (1).
Genome position (GRCh38, 1-based): chr2:47,790,969, G>A. VCF-style: chr2-47790969-G-A. GRCh37 (hg19) VCF-style: chr2-48018108-G-A.
Other names: c.-434G>A (NM_001281493.2); c.-600G>A (NM_001281494.2); c.237+7499G>A (NM_001281492.2).
Identifiers: ClinVar variation 383157 (VCV000383157.22), dbSNP rs1057521533, ClinGen allele CA16604267.